The following is an entry in ClinVar:

ClinVar aggregate classification (germline): Uncertain significance (1 of 4 stars; one submission).

Allele frequency attached by ClinVar (database versions not stated): gnomAD 0.00001; TOPMed 0.00004; ESP Exome Variant Server 0.00008.
gnomAD v4.1: 66 of 1,614,068 alleles (0.0041%); highest among the groups gnomAD compares: Middle Eastern, 0.033%; no homozygotes.

Submission:

Labcorp Genetics (formerly Invitae), Labcorp
Classification: Uncertain significance. Last evaluated: 2023-10-06. Review status: criteria provided, single submitter. Criteria: Invitae Variant Classification Sherloc (09022015). Collection method: clinical testing. Allele origin: germline.
Comment: This sequence change replaces leucine, which is neutral and non-polar, with glutamine, which is neutral and polar, at codon 566 of the ERMARD protein (p.Leu566Gln). This variant is present in population databases (rs144545763, gnomAD 0.02%). This variant has not been reported in the literature in individuals affected with ERMARD-related conditions. ClinVar contains an entry for this variant (Variation ID: 2171494). An algorithm developed to predict the effect of missense changes on protein structure and function (PolyPhen-2) suggests that this variant is likely to be disruptive. In summary, the available evidence is currently insufficient to determine the role of this variant in disease. Therefore, it has been classified as a Variant of Uncertain Significance.

NM_018341.3(ERMARD):c.1697T>A (p.Leu566Gln)

Gene: ERMARD (ER membrane associated RNA degradation; plus strand). Cytogenetic location: 6q27.
Variant type: single nucleotide variant.
Coding change: c.1697T>A on transcript NM_018341.3 (MANE Select); coding-DNA position 1697, T replaced by A.
Protein change: p.Leu566Gln; replaces leucine 566 with glutamine.
Molecular consequence: missense variant. On other transcripts: intron variant (2).
Genome position (GRCh38, 1-based): chr6:169,776,631, T>A. VCF-style: chr6-169776631-T-A. GRCh37 (hg19) VCF-style: chr6-170176727-T-A.
Other names: c.1319T>A, p.Leu440Gln (NM_001278532.2); c.1289T>A, p.Leu430Gln (NM_001410957.1); c.1598+220T>A (NM_001278531.2); c.1520+566T>A (NM_001278533.2); short protein forms L430Q, L566Q, L440Q.
Identifiers: ClinVar variation 2171494 (VCV002171494.4), dbSNP rs144545763, ClinGen allele CA4106380.